The following is an entry in ClinVar:

NM_001009944.3(PKD1):c.1628dup (p.Asn543fs)

Gene: PKD1 (polycystin 1, transient receptor potential channel interacting; minus strand). Cytogenetic location: 16p13.3.
Variant type: Duplication.
Coding change: c.1628dup on transcript NM_001009944.3 (MANE Select); coding-DNA position 1628, one base duplicated (A; older notation c.1628dupA).
Protein change: p.Asn543fs; shifts the reading frame from asparagine 543.
Molecular consequence: frameshift variant.
Genome position (GRCh38, 1-based): chr16:2,116,623, T duplicated on the plus strand (A on the coding strand, the reverse complement: PKD1 is on the minus strand); the first of 2 consecutive T bases (chr16:2,116,623-2,116,624); duplicating either gives the same sequence. VCF-style (leftmost placement, unchanged base first): chr16-2116622-G-GT. GRCh37 (hg19) VCF-style: chr16-2166623-G-GT.
Other names: c.1628dup, p.Asn543fs (NM_000296.4); short protein forms N543fs.
Identifiers: ClinVar variation 3234016 (VCV003234016.1), dbSNP rs2544870113, ClinGen allele CA2825002375.

ClinVar aggregate classification (germline): Pathogenic (1 of 4 stars; one submission).

Conditions:
Polycystic kidney disease, adult type (PKD1). Also called: Polycystic Kidney Disease 1, Autosomal Dominant; Polycystic kidney disease 1; Polycystic kidney disease 1, severe; Polycystic Kidney, Autosomal Dominant; POLYCYSTIC KIDNEY DISEASE 1 WITH OR WITHOUT POLYCYSTIC LIVER DISEASE; POLYCYSTIC KIDNEY DISEASE, ADULT, TYPE I. Identifiers: MedGen C3149841, MONDO:0008263, OMIM 173900.

Submission:

MVZ Medizinische Genetik Mainz
Classification: Pathogenic for Polycystic kidney disease, adult type. Last evaluated: 2023-01-20. Review status: criteria provided, single submitter. Criteria: UK Practice Guidelines For Variant Classification V4 01 2020. Collection method: clinical testing. Allele origin: germline. Inheritance: Autosomal dominant inheritance. Affected: yes. Observed: 1 variant allele.
Comment: ACMG Criteria: PVS1, PM2_SUP, PP4